The following is an entry in ClinVar:

ClinVar aggregate classification (germline): Uncertain significance (1 of 4 stars; one submission).

Conditions:
Peripheral neuropathy. Also called: Neuropathy. Identifiers: MedGen C0031117, MONDO:0005244, HP:0009830.

Submission:

Labcorp Genetics (formerly Invitae), Labcorp
Classification: Uncertain significance for Peripheral neuropathy. Last evaluated: 2018-06-19. Review status: criteria provided, single submitter. Criteria: Invitae Variant Classification Sherloc (09022015). Collection method: clinical testing. Allele origin: germline.
Comment: In summary, the available evidence is currently insufficient to determine the role of this variant in disease. Therefore, it has been classified as a Variant of Uncertain Significance. Experimental studies and prediction algorithms are not available for this variant, and the functional significance of the deleted amino acids is currently unknown. This variant has not been reported in the literature in individuals with FLRT1-related disease. This variant is not present in population databases (ExAC no frequency). This variant, c.64_84del, results in the deletion of 7 amino acids of the FLRT1 protein (p.Val22_Thr28del), but otherwise preserves the integrity of the reading frame.

NM_013280.5(FLRT1):c.64_84del (p.Val22_Thr28del)

Genes: MACROD1 (mono-ADP ribosylhydrolase 1; minus strand), FLRT1 (fibronectin leucine rich transmembrane protein 1; plus strand). Cytogenetic location: 11q13.1.
Variant type: Deletion.
Coding change: c.64_84del on transcript NM_013280.5 (MANE Select); coding-DNA positions 64 to 84, 21 bases deleted (GTTGTGATGACCACGGCCACC).
Protein change: p.Val22_Thr28del.
Molecular consequence: inframe deletion. On other transcripts: 5 prime UTR variant (1), intron variant (2).
Genome position (GRCh38, 1-based): chr11:64,116,331-64,116,351, GTTGTGATGACCACGGCCACC deleted; deleting any 21 consecutive bases within chr11:64,116,321-64,116,351 gives the same sequence; the c. name uses the placement nearest the transcript's 3' end. VCF-style (leftmost placement, unchanged base first): chr11-64116320-TCACGGCCACCGTTGTGATGAC-T. GRCh37 (hg19) VCF-style: chr11-63883792-TCACGGCCACCGTTGTGATGAC-T.
Other names: c.64_84delGTTGTGATGACCACGGCCACC (NM_013280.4); c.64_84del, p.Val22_Thr28del (NM_001384466.1); c.-21_-1del (NM_001423967.1); c.517+34898_517+34918del (NM_001411019.1, NM_014067.4).
Identifiers: ClinVar variation 571356 (VCV000571356.8), dbSNP rs1565240655, ClinGen allele CA891843220.
Genomic context (GRCh38, chr11:64,116,320, plus strand): 5'-CATCCACCATGGTGGTGGCACACCCCACCGCCACTGCCACCACCACGCCCACTGCCACTG[TCACGGCCACCGTTGTGATGAC>T]CACGGCCACCATGGACCTGCGGGACTGGCTGTTCCTCTGCTACGGGCTCATCGCCTTCCT-3'